The following is an entry in ClinVar:

NM_152564.5(VPS13B):c.2515+16524_2515+16525del

Gene: VPS13B (vacuolar protein sorting 13 homolog B; plus strand). Cytogenetic location: 8q22.2.
Variant type: Deletion.
Coding change: c.2515+16524_2515+16525del on transcript NM_152564.5 (MANE Select); bases 16524 to 16525 of the intron after coding-DNA position 2515, 2 bases deleted (TT; older notation c.2515+16524_2515+16525delTT).
Molecular consequence: intron variant.
Genome position (GRCh38, 1-based): chr8:99,209,581-99,209,582, TT deleted; deleting any 2 consecutive bases within chr8:99,209,567-99,209,582 gives the same sequence; the c. name uses the placement nearest the transcript's 3' end. VCF-style (leftmost placement, unchanged base first): chr8-99209566-ATT-A. GRCh37 (hg19) VCF-style: chr8-100221794-ATT-A.
Other names: c.2515+16524_2515+16525del (NM_017890.5); c.2516-11_2516-10del (NM_015243.3).
Identifiers: ClinVar variation 3038231 (VCV003038231.2), dbSNP rs59727162, ClinGen allele CA4822929.

ClinVar aggregate classification (germline): Benign (0 of 4 stars; one submission).

Conditions:
VPS13B-related disorder. Also called: VPS13B-related condition.

Submission:

PreventionGenetics, part of Exact Sciences
Classification: Benign for VPS13B-related condition. Last evaluated: 2019-05-24. Review status: no assertion criteria provided. Collection method: clinical testing. Allele origin: germline.
Comment: This variant is classified as benign based on ACMG/AMP sequence variant interpretation guidelines (Richards et al. 2015 PMID: 25741868, with internal and published modifications).